The following is an entry in ClinVar:

ClinVar aggregate classification (germline): Pathogenic (1 of 4 stars; one submission).

Conditions:
Autosomal recessive limb-girdle muscular dystrophy type 2C (LGMDR5). Also called: MUSCULAR DYSTROPHY, LIMB-GIRDLE, AUTOSOMAL RECESSIVE 5; MUSCULAR DYSTROPHY, DUCHENNE-LIKE. Identifiers: Orphanet 353, MedGen C0410173, MONDO:0009677, OMIM 253700. Disease mechanism: Affects gamma-sarcoglycan and also disrupts the integrity of the entire sarcoglycan complex..

Submission:

Labcorp Genetics (formerly Invitae), Labcorp
Classification: Pathogenic for Autosomal recessive limb-girdle muscular dystrophy type 2C. Last evaluated: 2022-05-13. Review status: criteria provided, single submitter. Criteria: Invitae Variant Classification Sherloc (09022015). Collection method: clinical testing. Allele origin: germline.
Comment: This variant is a gross deletion of the genomic region encompassing exon(s) 1-2 of the SGCG gene, which includes the initiator codon. This deletion extends beyond the assayed region for this gene and therefore may encompass additional genes. It is expected to result in an absent or disrupted protein product. Loss-of-function variants in SGCG are known to be pathogenic (PMID: 18285821). This variant has not been reported in the literature in individuals affected with SGCG-related conditions. For these reasons, this variant has been classified as Pathogenic.

Literature cited by the submitters: PubMed 18285821.

NC_000013.11:g.(?_23093196)_(23203899_?)del

Genes: LINC00362 (long intergenic non-protein coding RNA 362; minus strand), SGCG (sarcoglycan gamma; plus strand), LOC132090179 (Neanderthal introgressed variant-containing enhancer experimental_32684; plus strand). Cytogenetic location: 13q12.12.
Variant type: Deletion.
Identifiers: ClinVar variation 644834 (VCV000644834.9).